The following is an entry in ClinVar:

ClinVar aggregate classification (germline): Uncertain significance. Review status: criteria provided, multiple submitters, no conflicts (2 of 4 stars). 2 submissions from 2 submitters: Uncertain significance (2). Last evaluated 2022-04-02.

Submissions (2):

Labcorp Genetics (formerly Invitae), Labcorp
Classification: Uncertain significance. Last evaluated: 2022-04-02. Review status: criteria provided, single submitter. Criteria: Invitae Variant Classification Sherloc (09022015). Collection method: clinical testing. Allele origin: germline.
Comment: In summary, the available evidence is currently insufficient to determine the role of this variant in disease. Therefore, it has been classified as a Variant of Uncertain Significance. ClinVar contains an entry for this variant (Variation ID: 1304809). This variant has not been reported in the literature in individuals affected with MCM4-related conditions. This variant is not present in population databases (gnomAD no frequency). This sequence change creates a premature translational stop signal (p.Thr369Serfs*8) in the MCM4 gene. It is expected to result in an absent or disrupted protein product. However, the current clinical and genetic evidence is not sufficient to establish whether loss-of-function variants in MCM4 cause disease.

GeneDx
Classification: Uncertain significance. Last evaluated: 2019-08-02. Review status: criteria provided, single submitter. Criteria: GeneDx Variant Classification Process June 2021. Collection method: clinical testing. Allele origin: germline. Affected: yes.
Comment: Not observed in large population cohorts (Lek et al., 2016); Frameshift variant predicted to result in protein truncation or nonsense mediated decay in a gene for which loss-of-function is not a known mechanism of disease; Has not been previously published as pathogenic or benign to our knowledge

NM_182746.3(MCM4):c.1106_1107del (p.Thr369fs)

Gene: MCM4 (minichromosome maintenance complex component 4; plus strand). Cytogenetic location: 8q11.21.
Variant type: Microsatellite.
Coding change: c.1106_1107del on transcript NM_182746.3 (MANE Select); coding-DNA positions 1106 to 1107, 2 bases deleted (CA; older notation c.1106_1107delCA).
Protein change: p.Thr369fs; shifts the reading frame from threonine 369.
Molecular consequence: frameshift variant.
Genome position (GRCh38, 1-based): chr8:47,967,417-47,967,418, CA deleted; deleting any 2 consecutive bases within chr8:47,967,411-47,967,418 gives the same sequence; the c. name uses the placement nearest the transcript's 3' end. VCF-style (leftmost placement, unchanged base first): chr8-47967410-CCA-C. GRCh37 (hg19) VCF-style: chr8-48879970-CCA-C.
Other names: c.1106_1107del, p.Thr369fs (NM_005914.4); short protein forms T369fs.
Identifiers: ClinVar variation 1304809 (VCV001304809.6), dbSNP rs2154505194, ClinGen allele CA2580617157.